The following is an entry in ClinVar:

ClinVar aggregate classification (germline): Uncertain significance (1 of 4 stars; one submission).

Conditions:
Fanconi anemia (FA). Also called: Fanconi's anemia. Identifiers: Orphanet 84, MedGen C0015625, MeSH D005199, MONDO:0019391.

Allele frequency attached by ClinVar (database versions not stated): gnomAD exomes below 0.00001.
gnomAD v4.1: 7 of 1,614,044 alleles (0.00043%); highest among the groups gnomAD compares: Non-Finnish European, 0.00059%; no homozygotes.

Submission:

Labcorp Genetics (formerly Invitae), Labcorp
Classification: Uncertain significance for Fanconi anemia. Last evaluated: 2021-04-05. Review status: criteria provided, single submitter. Criteria: Invitae Variant Classification Sherloc (09022015). Collection method: clinical testing. Allele origin: germline.
Comment: This sequence change replaces glutamine with glutamic acid at codon 1787 of the SLX4 protein (p.Gln1787Glu). The glutamine residue is moderately conserved and there is a small physicochemical difference between glutamine and glutamic acid. This variant is not present in population databases (ExAC no frequency). This variant has not been reported in the literature in individuals with SLX4-related conditions. Algorithms developed to predict the effect of missense changes on protein structure and function (SIFT, PolyPhen-2, Align-GVGD) all suggest that this variant is likely to be tolerated, but these predictions have not been confirmed by published functional studies and their clinical significance is uncertain. In summary, the available evidence is currently insufficient to determine the role of this variant in disease. Therefore, it has been classified as a Variant of Uncertain Significance.

NM_032444.4(SLX4):c.5359C>G (p.Gln1787Glu)

Gene: SLX4 (SLX4 structure-specific endonuclease subunit; minus strand). Cytogenetic location: 16p13.3.
Variant type: single nucleotide variant.
Coding change: c.5359C>G on transcript NM_032444.4 (MANE Select); coding-DNA position 5359, C replaced by G.
Protein change: p.Gln1787Glu; replaces glutamine 1787 with glutamic acid.
Molecular consequence: missense variant.
Genome position (GRCh38, 1-based): chr16:3,582,488, G>C on the plus strand (C>G on the coding strand, the complement: SLX4 is on the minus strand). VCF-style: chr16-3582488-G-C. GRCh37 (hg19) VCF-style: chr16-3632489-G-C.
Other names: short protein forms Q1787E.
Identifiers: ClinVar variation 1501540 (VCV001501540.8), dbSNP rs1259909923, ClinGen allele CA394513663.